The following is an entry in ClinVar:

NM_001008216.2(GALE):c.716G>A (p.Arg239Gln)

Gene: GALE (UDP-galactose-4-epimerase; minus strand). Cytogenetic location: 1p36.11.
Variant type: single nucleotide variant.
Coding change: c.716G>A on transcript NM_001008216.2 (MANE Select); coding-DNA position 716, G replaced by A.
Protein change: p.Arg239Gln; replaces arginine 239 with glutamine.
Molecular consequence: missense variant.
Genome position (GRCh38, 1-based): chr1:23,796,776, C>T on the plus strand (G>A on the coding strand, the complement: GALE is on the minus strand). VCF-style: chr1-23796776-C-T. GRCh37 (hg19) VCF-style: chr1-24123266-C-T.
Other names: c.716G>A, p.Arg239Gln (NM_000403.4, NM_001127621.2); short protein forms R239Q.
Identifiers: ClinVar variation 4885181 (VCV004885181.2).

ClinVar aggregate classification (germline): Uncertain significance (1 of 4 stars; one submission).

gnomAD v4.1: 5 of 1,610,270 alleles (0.00031%); highest among the groups gnomAD compares: Non-Finnish European, 0.00034%; no homozygotes.

Submission:

Dasa
Classification: Uncertain significance. Last evaluated: 2026-02-05. Review status: criteria provided, single submitter. Criteria: DASA Assertion Criteria. Collection method: clinical testing. Allele origin: germline.
Comment: NM_001008216.2(GALE):c.716G>A (p.Arg239Gln) is a missense variant that results in the substitution of arginine with glutamine. The affected residue or protein region has prior evidence supporting clinical relevance. This variant is rare in population databases. Computational prediction algorithms are consistent with a deleterious effect. The currently available literature and clinical evidence are not sufficient to establish a definitive association between this variant and the reported condition. Therefore, this variant is classified as a variant of uncertain significance.